The following is an entry in ClinVar:

ClinVar aggregate classification (germline): Pathogenic/Likely pathogenic. Review status: criteria provided, multiple submitters, no conflicts (2 of 4 stars). 4 submissions from 4 submitters: Pathogenic (2); Likely pathogenic (2). Last evaluated 2024-04-16.

Conditions:
Familial adenomatous polyposis 4 (FAP4). Also called: MSH3-related attenuated familial adenomatous polyposis. Identifiers: Orphanet 480536, MedGen C4310719, MONDO:0044300, OMIM 617100.
Endometrial carcinoma. Also called: Endometrial carcinoma, somatic. Identifiers: MedGen C0476089, MONDO:0002447, OMIM 608089, HP:0012114.

Submissions (4):

Fulgent Genetics
Classification: Likely pathogenic for Endometrial carcinoma; Familial adenomatous polyposis 4. Last evaluated: 2024-04-16. Review status: criteria provided, single submitter. Criteria: ACMG Guidelines, 2015. Collection method: clinical testing. Allele origin: germline.

Labcorp Genetics (formerly Invitae), Labcorp
Classification: Pathogenic. Last evaluated: 2024-03-13. Review status: criteria provided, single submitter. Criteria: Invitae Variant Classification Sherloc (09022015). Collection method: clinical testing. Allele origin: germline.
Comment: This sequence change creates a premature translational stop signal (p.Lys255*) in the MSH3 gene. It is expected to result in an absent or disrupted protein product. Loss-of-function variants in MSH3 are known to be pathogenic (PMID: 27476653, 37402566). This variant is not present in population databases (gnomAD no frequency). This variant has not been reported in the literature in individuals affected with MSH3-related conditions. ClinVar contains an entry for this variant (Variation ID: 1709103). For these reasons, this variant has been classified as Pathogenic.

Myriad Genetics, Inc.
Classification: Pathogenic for Familial adenomatous polyposis 4. Last evaluated: 2023-08-29. Review status: criteria provided, single submitter. Criteria: Myriad Autosomal Dominant, Autosomal Recessive and X-Linked Classification Criteria (2023). Collection method: clinical testing. Allele origin: unknown.
Comment: This variant is considered pathogenic. This variant creates a termination codon and is predicted to result in premature protein truncation.

MGZ Medical Genetics Center
Classification: Likely pathogenic for Familial adenomatous polyposis 4. Last evaluated: 2022-04-08. Review status: criteria provided, single submitter. Criteria: ACMG Guidelines, 2015. Collection method: clinical testing. Allele origin: germline. Affected: yes. Observed: 1 variant allele.
Comment: ACMG criteria applied: PVS1, PM2_SUP

Literature cited by the submitters: PubMed 27476653 (cited by Labcorp Genetics (formerly Invitae), Labcorp); PubMed 37402566 (cited by Labcorp Genetics (formerly Invitae), Labcorp).

NM_002439.5(MSH3):c.763A>T (p.Lys255Ter)

Gene: MSH3 (mutS homolog 3; plus strand). Cytogenetic location: 5q14.1.
Variant type: single nucleotide variant.
Coding change: c.763A>T on transcript NM_002439.5 (MANE Select); coding-DNA position 763, A replaced by T.
Protein change: p.Lys255Ter; replaces lysine 255 with a stop codon.
Molecular consequence: nonsense.
Genome position (GRCh38, 1-based): chr5:80,670,280, A>T. VCF-style: chr5-80670280-A-T. GRCh37 (hg19) VCF-style: chr5-79966099-A-T.
Other names: short protein forms K255*.
Identifiers: ClinVar variation 1709103 (VCV001709103.7), dbSNP rs2546721227, ClinGen allele CA360266969.